The following is an entry in ClinVar:

ClinVar aggregate classification (germline): Uncertain significance. Review status: criteria provided, multiple submitters, no conflicts (2 of 4 stars). 2 submissions from 2 submitters: Uncertain significance (2). Last evaluated 2024-09-29.

Conditions:
Hereditary diffuse gastric adenocarcinoma (HDGC). Also called: DIFFUSE GASTRIC AND LOBULAR BREAST CANCER SYNDROME. Identifiers: Orphanet 26106, MedGen C1708349, MONDO:0007648, OMIM 137215.
Hereditary cancer-predisposing syndrome. Also called: Hereditary Cancer Syndrome; Tumor predisposition; Neoplastic Syndromes, Hereditary; Hereditary neoplastic syndrome. Identifiers: Orphanet 140162, MedGen C0027672, MeSH D009386, MONDO:0015356.

Allele frequency attached by ClinVar (database versions not stated): gnomAD exomes below 0.00001.

Submissions (2):

Labcorp Genetics (formerly Invitae), Labcorp
Classification: Uncertain significance for Hereditary diffuse gastric adenocarcinoma. Last evaluated: 2024-09-29. Review status: criteria provided, single submitter. Criteria: Invitae Variant Classification Sherloc (09022015). Collection method: clinical testing. Allele origin: germline.
Comment: This sequence change replaces threonine, which is neutral and polar, with arginine, which is basic and polar, at codon 427 of the CDH1 protein (p.Thr427Arg). This variant is not present in population databases (gnomAD no frequency). This variant has not been reported in the literature in individuals affected with CDH1-related conditions. An algorithm developed to predict the effect of missense changes on protein structure and function (PolyPhen-2) suggests that this variant is likely to be disruptive. In summary, the available evidence is currently insufficient to determine the role of this variant in disease. Therefore, it has been classified as a Variant of Uncertain Significance.

Ambry Genetics
Classification: Uncertain significance for Hereditary cancer-predisposing syndrome. Last evaluated: 2023-11-17. Review status: criteria provided, single submitter. Criteria: Ambry Variant Classification Scheme 2023. Collection method: clinical testing. Allele origin: germline.
Comment: The p.T427R variant (also known as c.1280C>G), located in coding exon 9 of the CDH1 gene, results from a C to G substitution at nucleotide position 1280. The threonine at codon 427 is replaced by arginine, an amino acid with similar properties. This amino acid position is conserved. In addition, this alteration is predicted to be deleterious by in silico analysis. Since supporting evidence is limited at this time, the clinical significance of this alteration remains unclear.

NM_004360.5(CDH1):c.1280C>G (p.Thr427Arg)

Gene: CDH1 (cadherin 1; plus strand). Cytogenetic location: 16q22.1.
Variant type: single nucleotide variant.
Coding change: c.1280C>G on transcript NM_004360.5 (MANE Select); coding-DNA position 1280, C replaced by G.
Protein change: p.Thr427Arg; replaces threonine 427 with arginine.
Molecular consequence: missense variant. On other transcripts: 5 prime UTR variant (2), intron variant (1).
Genome position (GRCh38, 1-based): chr16:68,813,455, C>G. VCF-style: chr16-68813455-C-G. GRCh37 (hg19) VCF-style: chr16-68847358-C-G.
Other names: c.-336C>G (NM_001317185.2); c.-540C>G (NM_001317186.2); c.1137+1192C>G (NM_001317184.2); short protein forms T427R.
Identifiers: ClinVar variation 3224142 (VCV003224142.3), dbSNP rs2152133597, ClinGen allele CA396461726.